The following is an entry in ClinVar:

ClinVar aggregate classification (germline): Uncertain significance (1 of 4 stars; one submission).

Conditions:
PLXNA4-related disorder. Also called: PLXNA4-related condition.

Allele frequency attached by ClinVar (database versions not stated): gnomAD 0.00001; TOPMed 0.00005; ExAC 0.00012.
gnomAD v4.1: 145 of 1,602,882 alleles (0.009%); highest among the groups gnomAD compares: Non-Finnish European, 0.011%; no homozygotes.

Submission:

PreventionGenetics, part of Exact Sciences
Classification: Uncertain significance for PLXNA4-related condition. Last evaluated: 2026-05-11. Review status: criteria provided, single submitter. Criteria: ACMG Guidelines, 2015. Collection method: clinical testing. Allele origin: germline.
Comment: The PLXNA4 c.2162C>T variant is predicted to result in the amino acid substitution p.Thr721Met. To our knowledge, this variant has not been reported in the literature. This variant is reported in 0.011% of alleles in individuals of European (Non-Finnish) descent in gnomAD. This variant could be benign. At this time, the clinical significance of this variant is uncertain due to the absence of conclusive functional and genetic evidence.

NM_020911.2(PLXNA4):c.2162C>T (p.Thr721Met)

Gene: PLXNA4 (plexin A4; minus strand). Cytogenetic location: 7q32.3.
Variant type: single nucleotide variant.
Coding change: c.2162C>T on transcript NM_020911.2 (MANE Select); coding-DNA position 2162, C replaced by T.
Protein change: p.Thr721Met; replaces threonine 721 with methionine.
Molecular consequence: missense variant.
Genome position (GRCh38, 1-based): chr7:132,211,079, G>A on the plus strand (C>T on the coding strand, the complement: PLXNA4 is on the minus strand). VCF-style: chr7-132211079-G-A. GRCh37 (hg19) VCF-style: chr7-131895838-G-A.
Other names: c.2162C>T, p.Thr721Met (NM_001393897.1); short protein forms T721M.
Identifiers: ClinVar variation 2629049 (VCV002629049.4), dbSNP rs377154325, ClinGen allele CA4489879.